The following is an entry in ClinVar:

ClinVar aggregate classification (germline): Likely pathogenic (1 of 4 stars; one submission).

Conditions:
BAP1-related tumor predisposition syndrome (TPDS1). Also called: Tumor susceptibility linked to germline BAP1 mutations; COMMON Syndrome; BAP1 tumor predisposition syndrome; TUMOR PREDISPOSITION SYNDROME 1. Identifiers: Orphanet 289539, MedGen C3280492, MONDO:0013692, OMIM 614327.

Submission:

Labcorp Genetics (formerly Invitae), Labcorp
Classification: Likely pathogenic for BAP1-related tumor predisposition syndrome. Last evaluated: 2022-02-18. Review status: criteria provided, single submitter. Criteria: Invitae Variant Classification Sherloc (09022015). Collection method: clinical testing. Allele origin: germline.
Comment: Algorithms developed to predict the effect of sequence changes on RNA splicing suggest that this variant may disrupt the consensus splice site. This variant has not been reported in the literature in individuals affected with BAP1-related conditions. This variant is not present in population databases (gnomAD no frequency). This sequence change affects an acceptor splice site in intron 15 of the BAP1 gene. It is expected to disrupt RNA splicing. Variants that disrupt the donor or acceptor splice site typically lead to a loss of protein function (PMID: 16199547), and loss-of-function variants in BAP1 are known to be pathogenic (PMID: 21874000, 23684012). In summary, the currently available evidence indicates that the variant is pathogenic, but additional data are needed to prove that conclusively. Therefore, this variant has been classified as Likely Pathogenic.

Literature cited by the submitters: PubMed 16199547; PubMed 21874000; PubMed 23684012.

NM_004656.4(BAP1):c.1984-2A>G

Gene: BAP1 (BRCA1 associated deubiquitinase 1; minus strand). Cytogenetic location: 3p21.1.
Variant type: single nucleotide variant.
Coding change: c.1984-2A>G on transcript NM_004656.4 (MANE Select); the canonical splice acceptor site of the intron before coding-DNA position 1984, A replaced by G.
Molecular consequence: splice acceptor variant.
Genome position (GRCh38, 1-based): chr3:52,402,676, T>C on the plus strand (A>G on the coding strand, the complement: BAP1 is on the minus strand). VCF-style: chr3-52402676-T-C. GRCh37 (hg19) VCF-style: chr3-52436692-T-C.
Other names: c.1930-2A>G (NM_001410772.1).
Identifiers: ClinVar variation 1503671 (VCV001503671.8), dbSNP rs2153226226, ClinGen allele CA353096409.
Genomic context (GRCh38, chr3:52,402,676, plus strand): 5'-ATGGAGATAAAGGTGCAGATGAACTCATCGTAGTTGTGGGTCCTTCTCTGGTCATCAATC[T>C]GTAGGAGAGAAGAAGACTGAGAGCACTGGAGCCAATCTTGCCAGAGCAGCCACCAGTGGA-3'